The following is an entry in ClinVar:

NM_020779.4(WDR35):c.2823G>A (p.Lys941=)

Gene: WDR35 (WD repeat domain 35; minus strand). Cytogenetic location: 2p24.1.
Variant type: single nucleotide variant.
Coding change: c.2823G>A on transcript NM_020779.4 (MANE Select); coding-DNA position 2823, G replaced by A.
Protein change: p.Lys941=; no amino-acid change (lysine 941 retained).
Molecular consequence: synonymous variant.
Genome position (GRCh38, 1-based): chr2:19,932,283, C>T on the plus strand (G>A on the coding strand, the complement: WDR35 is on the minus strand). VCF-style: chr2-19932283-C-T. GRCh37 (hg19) VCF-style: chr2-20132044-C-T.
Other names: c.2856G>A, p.Lys952= (NM_001006657.2); c.2856G>A (NM_001006657.1).
Identifiers: ClinVar variation 1394461 (VCV001394461.8), dbSNP rs2103398260, ClinGen allele CA425113852.

ClinVar aggregate classification (germline): Uncertain significance. Review status: criteria provided, multiple submitters, no conflicts (2 of 4 stars). 2 submissions from 2 submitters: Uncertain significance (2). Last evaluated 2024-09-30.

Conditions:
Cranioectodermal dysplasia 2 (CED2). Identifiers: Orphanet 1515, MedGen C3150874, MONDO:0013323, OMIM 613610.
Short-rib thoracic dysplasia 7 with or without polydactyly (SRTD7). Also called: SHORT-RIB THORACIC DYSPLASIA 7 WITH POLYDACTYLY; Short rib polydactyly syndrome 5. Identifiers: Orphanet 498497, Orphanet 93271, MedGen C3279792, MONDO:0013569, OMIM 614091.

Submissions (2):

Labcorp Genetics (formerly Invitae), Labcorp
Classification: Uncertain significance for Cranioectodermal dysplasia 2; Short-rib thoracic dysplasia 7 with or without polydactyly. Last evaluated: 2024-09-30. Review status: criteria provided, single submitter. Criteria: Invitae Variant Classification Sherloc (09022015). Collection method: clinical testing. Allele origin: germline.
Comment: This sequence change affects codon 952 of the WDR35 mRNA. It is a 'silent' change, meaning that it does not change the encoded amino acid sequence of the WDR35 protein. This variant also falls at the last nucleotide of exon 24, which is part of the consensus splice site for this exon. This variant is not present in population databases (gnomAD no frequency). This variant has not been reported in the literature in individuals affected with WDR35-related conditions. ClinVar contains an entry for this variant (Variation ID: 1394461). Variants that disrupt the consensus splice site are a relatively common cause of aberrant splicing (PMID: 17576681, 9536098). Algorithms developed to predict the effect of sequence changes on RNA splicing suggest that this variant may disrupt the consensus splice site. In summary, the available evidence is currently insufficient to determine the role of this variant in disease. Therefore, it has been classified as a Variant of Uncertain Significance.

Revvity Omics, Revvity
Classification: Uncertain significance. Last evaluated: 2020-03-30. Review status: criteria provided, single submitter. Criteria: ACMG Guidelines, 2015. Collection method: clinical testing. Allele origin: germline.

Literature cited by the submitters: PubMed 17576681 (cited by Labcorp Genetics (formerly Invitae), Labcorp); PubMed 9536098 (cited by Labcorp Genetics (formerly Invitae), Labcorp).